The following is an entry in ClinVar:

ClinVar aggregate classification (germline): Uncertain significance (1 of 4 stars; one submission).

Conditions:
Spongy degeneration of central nervous system. Also called: ACY2 DEFICIENCY; AMINOACYLASE 2 DEFICIENCY; ASP DEFICIENCY; ASPA DEFICIENCY; ASPARTOACYLASE DEFICIENCY; CANAVAN-VAN BOGAERT-BERTRAND DISEASE. Identifiers: Orphanet 141, MedGen C0206307, MONDO:0010079, OMIM 271900.

Submission:

Labcorp Genetics (formerly Invitae), Labcorp
Classification: Uncertain significance for Spongy degeneration of central nervous system. Last evaluated: 2021-12-31. Review status: criteria provided, single submitter. Criteria: Invitae Variant Classification Sherloc (09022015). Collection method: clinical testing. Allele origin: germline.
Comment: In summary, the available evidence is currently insufficient to determine the role of this variant in disease. Therefore, it has been classified as a Variant of Uncertain Significance. Advanced modeling of protein sequence and biophysical properties (such as structural, functional, and spatial information, amino acid conservation, physicochemical variation, residue mobility, and thermodynamic stability) performed at Invitae indicates that this missense variant is not expected to disrupt ASPA protein function. This variant has not been reported in the literature in individuals affected with ASPA-related conditions. This variant is not present in population databases (gnomAD no frequency). This sequence change replaces lysine, which is basic and polar, with arginine, which is basic and polar, at codon 13 of the ASPA protein (p.Lys13Arg).

NM_000049.4(ASPA):c.38A>G (p.Lys13Arg)

Genes: ASPA (aspartoacylase; plus strand), SPATA22 (spermatogenesis associated 22; minus strand). Cytogenetic location: 17p13.2.
Variant type: single nucleotide variant.
Coding change: c.38A>G on transcript NM_000049.4 (MANE Select); coding-DNA position 38, A replaced by G.
Protein change: p.Lys13Arg; replaces lysine 13 with arginine.
Molecular consequence: missense variant. On other transcripts: intron variant (2).
Genome position (GRCh38, 1-based): chr17:3,476,197, A>G. VCF-style: chr17-3476197-A-G. GRCh37 (hg19) VCF-style: chr17-3379491-A-G.
Other names: c.38A>G, p.Lys13Arg (NM_001128085.1); c.-73-6799T>C (NM_001321336.2, NM_001321337.2); short protein forms K13R.
Identifiers: ClinVar variation 2067755 (VCV002067755.4), dbSNP rs775814453, ClinGen allele CA397681079.